The following is an entry in ClinVar:

ClinVar aggregate classification (germline): Uncertain significance. Review status: reviewed by expert panel (3 of 4 stars). 3 submissions from 3 submitters: Uncertain significance (1). 2 of the submissions do not count toward it. Last evaluated 2023-07-10.

Conditions:
Mitochondrial disease. Also called: Mitochondrial disorder; Mitochondrial disorders. Identifiers: Orphanet 68380, MedGen C0751651, MeSH D028361, MONDO:0044970.
Leigh syndrome (NULS). Also called: Leigh Disease; Subacute necrotizing encephalopathy; Necrotizing encephalopathy infantile subacute of Leigh; LEIGH SYNDROME, NUCLEAR; Leigh's syndrome; Leigh's necrotizing encephalopathy. Identifiers: Orphanet 506, MedGen C2931891, MONDO:0009723, OMIM 256000.

Submissions (3):

ClinGen Mitochondrial Disease Nuclear and Mitochondrial  Variant Curation Expert Panel, ClinGen
Classification: Uncertain significance for Mitochondrial disease. Last evaluated: 2023-07-10. Review status: reviewed by expert panel. Criteria: McCormick et al. (Hum Mutat. 2020). Collection method: curation. Allele origin: germline. Inheritance: Mitochondrial inheritance.
Comment: The m.8803A>T variant in MT-ATP6 was reviewed by the Mitochondrial Disease Nuclear and Mitochondrial Variant Curation Expert Panel on July 10, 2023. This variant has been reported twice in the medical literature in affected individuals but there was no attribution of pathogenic involvement in either case (one case had Leber Hereditary Optic Neuropathy, PMID 15465027; one case had Alzheimer disease, PMID 20700462). There are no other individuals or families with primary mitochondrial disease with this variant reported in the medical literature to our knowledge. This variant is present at low frequency in population databases. The frequency in gnomAD v3.1.2 was 22/56,434 (0.039%) with all 22 being homoplasmic and in top level haplogroup H. The frequency in the MITOMAP GenBank sequences was 8/59,389 (0.013%); all eight of these individuals (100%) are in H5a haplogroup, with one of them being the individual with Alzheimer disease discussed above. The frequency of homoplasmic occurrences in the Helix dataset was 159/195,983 (0.081%); 152 of these Helix variants were in haplogroup H; seven were in haplogroup U. An additional five variants were reported as heteroplasmic; these were all in haplogroup H. Therefore, the frequency of this variant meets neither criteria for pathogenicity (<0.002%) nor benign (>0.5%). The computational predictor APOGEE gives a consensus rating of benign with scores of 0.37 (“neutral”) in APOGEE1 and 0.101 (“likely benign” in APOGEE2; Min=0, Max=1), predicting no impact on gene function (BP4). There are no cybrids, single fiber studies, or other functional assays found in the literature for this variant to date. In summary, this variant meets criteria to be classified as uncertain significance for primary mitochondrial disease inherited in a mitochondrial manner. This classification was approved by the NICHD/NINDS U24 ClinGen Mitochondrial Disease Variant Curation Expert Panel on July 10, 2023. Mitochondrial DNA-specific ACMG/AMP criteria applied: BP4.

Wong Mito Lab, Molecular and Human Genetics, Baylor College of Medicine
Classification: Benign for Leigh syndrome. Last evaluated: 2019-10-17. Review status: criteria provided, single submitter. Criteria: Modified ACMG Guidelines (Unpublished). Collection method: clinical testing. Allele origin: germline. Not counted in ClinVar's aggregate classification.
Comment: The NC_012920.1:m.8803A>T (YP_003024031.1:p.Thr93Ser) variant in MTATP6 gene is interpretated to be a Benign variant based on the modified ACMG guidelines (unpublished). This variant meets the following evidence codes: BS1, BS4

Center for Pediatric Genomic Medicine, Children's Mercy Hospital and Clinics
Classification: Uncertain significance. Last evaluated: 2015-05-26. Review status: criteria provided, single submitter. Criteria: ACMG Guidelines, 2015. Collection method: clinical testing. Allele origin: germline. Not counted in ClinVar's aggregate classification.
ClinVar note: Converted during submission from Uncertain Significance to Uncertain significance.

NC_012920.1(MT-ATP6):m.8803A>T

Gene: MT-ATP6 (mitochondrially encoded ATP synthase 6; plus strand).
Variant type: single nucleotide variant.
Genome position: chrM-8803-A-T.
Identifiers: ClinVar variation 235370 (VCV000235370.5), dbSNP rs878853020, ClinGen allele CA10581289.